The following is an entry in ClinVar:

NM_001378120.1(MBD5):c.2182A>G (p.Thr728Ala)

Gene: MBD5 (methyl-CpG binding domain protein 5; plus strand). Cytogenetic location: 2q23.1.
Variant type: single nucleotide variant.
Coding change: c.2182A>G on transcript NM_001378120.1 (MANE Select); coding-DNA position 2182, A replaced by G.
Protein change: p.Thr728Ala; replaces threonine 728 with alanine.
Molecular consequence: missense variant.
Genome position (GRCh38, 1-based): chr2:148,470,125, A>G. VCF-style: chr2-148470125-A-G. GRCh37 (hg19) VCF-style: chr2-149227694-A-G.
Other names: c.2182A>G, p.Thr728Ala (NM_001438854.1, NM_001438855.1, NM_001438856.1 and 7 more transcripts); short protein forms T728A.
Identifiers: ClinVar variation 4742490 (VCV004742490.1).

ClinVar aggregate classification (germline): Uncertain significance (1 of 4 stars; one submission).

Conditions:
Intellectual developmental disorder, autosomal dominant 1. Also called: MBD5 Haploinsufficiency; Intellectual disability, autosomal dominant 1. Identifiers: Orphanet 228402, MedGen C1969562, MONDO:0007974, OMIM 156200.

Submission:

Labcorp Genetics (formerly Invitae), Labcorp
Classification: Uncertain significance for Intellectual developmental disorder, autosomal dominant 1. Last evaluated: 2025-06-24. Review status: criteria provided, single submitter. Criteria: Invitae Variant Classification Sherloc (09022015). Collection method: clinical testing. Allele origin: germline.
Comment: This sequence change replaces threonine, which is neutral and polar, with alanine, which is neutral and non-polar, at codon 728 of the MBD5 protein (p.Thr728Ala). This variant is not present in population databases (gnomAD no frequency). This variant has not been reported in the literature in individuals affected with MBD5-related conditions. Invitae Evidence Modeling of protein sequence and biophysical properties (such as structural, functional, and spatial information, amino acid conservation, physicochemical variation, residue mobility, and thermodynamic stability) indicates that this missense variant is not expected to disrupt MBD5 protein function with a negative predictive value of 80%. In summary, the available evidence is currently insufficient to determine the role of this variant in disease. Therefore, it has been classified as a Variant of Uncertain Significance.